The following is an entry in ClinVar:

NM_004444.5(EPHB4):c.133C>A (p.Leu45Met)

Gene: EPHB4 (EPH receptor B4; minus strand). Cytogenetic location: 7q22.1.
Variant type: single nucleotide variant.
Coding change: c.133C>A on transcript NM_004444.5 (MANE Select); coding-DNA position 133, C replaced by A.
Protein change: p.Leu45Met; replaces leucine 45 with methionine.
Molecular consequence: missense variant.
Genome position (GRCh38, 1-based): chr7:100,823,922, G>T on the plus strand (C>A on the coding strand, the complement: EPHB4 is on the minus strand). VCF-style: chr7-100823922-G-T. GRCh37 (hg19) VCF-style: chr7-100421544-G-T.
Other names: short protein forms L45M.
Identifiers: ClinVar variation 3275974 (VCV003275974.1).
Genomic context (GRCh38, chr7:100,823,922, plus strand): 5'-GCTGCACGTCACACACTTCGTAGGTGCGCACGCTGTGCTGTTCCTCATCCAGGCCGCTCA[G>T]TTCCTCCCACTGTGCAGAGAAGGAGGTCAGCAAGGGGGCTGGGGAGCCGCCAGGGAGAGG-3'
Protein context (NP_004435.3, residues 35-55): FPQVDGQWEE[Leu45Met]SGLDEEQHSV

ClinVar aggregate classification (germline): Uncertain significance (1 of 4 stars; one submission).

Conditions:
Cardiovascular phenotype. Identifiers: MedGen CN230736.

Submission:

Ambry Genetics
Classification: Uncertain significance for Cardiovascular phenotype. Last evaluated: 2024-04-12. Review status: criteria provided, single submitter. Criteria: Ambry Variant Classification Scheme 2023. Collection method: clinical testing. Allele origin: germline.
Comment: The p.L45M variant (also known as c.133C>A), located in coding exon 3 of the EPHB4 gene, results from a C to A substitution at nucleotide position 133. The leucine at codon 45 is replaced by methionine, an amino acid with highly similar properties. This amino acid position is conserved. In addition, this alteration is predicted to be tolerated by in silico analysis. Based on the available evidence, the clinical significance of this variant remains unclear.